The following is an entry in ClinVar:

NM_000203.5(IDUA):c.1350del (p.Asn451fs)

Gene: IDUA (alpha-L-iduronidase; plus strand). Cytogenetic location: 4p16.3.
Variant type: Deletion.
Coding change: c.1350del on transcript NM_000203.5 (MANE Select); coding-DNA position 1350, one base deleted (C; older notation c.1350delC).
Protein change: p.Asn451fs; shifts the reading frame from asparagine 451.
Molecular consequence: frameshift variant. On other transcripts: non-coding transcript variant (1).
Genome position (GRCh38, 1-based): chr4:1,002,892, C deleted; the last of 4 consecutive C bases (chr4:1,002,889-1,002,892); deleting any one gives the same sequence. VCF-style (leftmost placement, unchanged base first): chr4-1002888-AC-A. GRCh37 (hg19) VCF-style: chr4-996676-AC-A.
Other names: NM_001363576.1:c.954del; c.954del, p.Asn319fs (NM_001363576.1); short protein forms N319fs, N451fs.
Identifiers: ClinVar variation 5016537 (VCV005016537.1).

ClinVar aggregate classification (germline): Likely pathogenic (3 of 4 stars; one submission).

Conditions:
Mucopolysaccharidosis type 1. Also called: IDUA deficiency; MPS I; Mucopolysaccharidosis Type I. Identifiers: Orphanet 579, MedGen C0023786, MONDO:0001586.

Submission:

ClinGen Lysosomal Storage Disorder Variant Curation Expert Panel
Classification: Likely pathogenic for Mucopolysaccharidosis type 1. Last evaluated: 2026-07-06. Review status: reviewed by expert panel. Criteria: ClinGen LSD ACMG Specifications IDUA V1.2.0. Collection method: curation. Allele origin: germline. Inheritance: Autosomal recessive inheritance.
Comment: The NM_000203.5(IDUA):c.1350del (p.Asn451ThrfsTer6) variant in IDUA is a frameshift variant predicted to cause a premature stop codon in biologically relevant exon 9 out of 14, leading to nonsense-mediated decay in a gene in which loss-of-function is an established disease mechanism (PVS1). This variant is absent in gnomAD v4.0. (PM2_Supporting). The classification of this variant has been upgraded from Variant of Uncertain Significance to Likely Pathogenic based on the recommendations of the ClinGen Sequence Variant Interpretation Working Group, which states that a variant meeting PVS1 and PM2_Supporting is classified as Likely Pathogenic. In summary, this variant meets the criteria to be classified as Likely Pathogenic for MPS I based on the IDUA-specific ACMG/AMP criteria applied, as specified by the ClinGen Lysosomal Diseases Variant Curation Expert panel (Specifications Version 1.2.0): PVS1, PM2_Supporting (Classification approved by the ClinGen Lysosomal Diseases Variant Curation Expert Panel on July 6, 2026)